The following is an entry in ClinVar:

ClinVar aggregate classification (germline): Uncertain significance (1 of 4 stars; one submission).

Conditions:
Hereditary cancer-predisposing syndrome. Also called: Neoplastic Syndromes, Hereditary; Tumor predisposition; Hereditary Cancer Syndrome; Hereditary neoplastic syndrome. Identifiers: Orphanet 140162, MedGen C0027672, MeSH D009386, MONDO:0015356.

Submission:

Ambry Genetics
Classification: Uncertain significance for Hereditary cancer-predisposing syndrome. Last evaluated: 2021-04-30. Review status: criteria provided, single submitter. Criteria: Ambry Variant Classification Scheme 2023. Collection method: clinical testing. Allele origin: germline.
Comment: The p.C292R variant (also known as c.874T>C), located in coding exon 7 of the SUFU gene, results from a T to C substitution at nucleotide position 874. The cysteine at codon 292 is replaced by arginine, an amino acid with highly dissimilar properties. This amino acid position is highly conserved in available vertebrate species. In addition, the in silico prediction for this alteration is inconclusive. Since supporting evidence is limited at this time, the clinical significance of this alteration remains unclear.

NM_016169.4(SUFU):c.874T>C (p.Cys292Arg)

Gene: SUFU (SUFU negative regulator of hedgehog signaling; plus strand). Cytogenetic location: 10q24.32.
Variant type: single nucleotide variant.
Coding change: c.874T>C on transcript NM_016169.4 (MANE Select); coding-DNA position 874, T replaced by C.
Protein change: p.Cys292Arg; replaces cysteine 292 with arginine.
Molecular consequence: missense variant.
Genome position (GRCh38, 1-based): chr10:102,597,257, T>C. VCF-style: chr10-102597257-T-C. GRCh37 (hg19) VCF-style: chr10-104357014-T-C.
Other names: c.874T>C, p.Cys292Arg (NM_001178133.2); short protein forms C292R.
Identifiers: ClinVar variation 1764536 (VCV001764536.2), dbSNP rs2545094957, ClinGen allele CA377910757.
Genomic context (GRCh38, chr10:102,597,257, plus strand): 5'-AAGTGTGCCTGGGATGACCTGAGCCGGCCCCCCGAGGATGACGAGGACAGCCGGAGCATC[T>C]GCATCGGCACACAGCCCCGGCGACTCTCTGGCAAAGGTGGGAGCCATCACTCAGCATTCC-3'
Protein context (NP_057253.2, residues 282-302): PEDDEDSRSI[Cys292Arg]IGTQPRRLSG